The following is an entry in ClinVar:

NM_001037.5(SCN1B):c.448+106C>A

Gene: SCN1B (sodium voltage-gated channel beta subunit 1; plus strand). Cytogenetic location: 19q13.11.
Variant type: single nucleotide variant.
Coding change: c.448+106C>A on transcript NM_001037.5 (MANE Select); 106 bases into the intron after coding-DNA position 448, C replaced by A.
Molecular consequence: intron variant. On other transcripts: missense variant (1).
Genome position (GRCh38, 1-based): chr19:35,033,845, C>A. VCF-style: chr19-35033845-C-A. GRCh37 (hg19) VCF-style: chr19-35524749-C-A.
Other names: c.554C>A, p.Ala185Asp (NM_199037.5); c.349+106C>A (NM_001321605.2); short protein forms A185D.
Identifiers: ClinVar variation 1060635 (VCV001060635.9), dbSNP rs2151746573, ClinGen allele CA405329296.

ClinVar aggregate classification (germline): Uncertain significance (1 of 4 stars; one submission).

Conditions:
Brugada syndrome 5 (BRGDA5). Identifiers: Orphanet 130, Orphanet 871, MedGen C2748541, MONDO:0013015, OMIM 612838.

Submission:

Labcorp Genetics (formerly Invitae), Labcorp
Classification: Uncertain significance for Brugada syndrome 5. Last evaluated: 2020-10-19. Review status: criteria provided, single submitter. Criteria: Invitae Variant Classification Sherloc (09022015). Collection method: clinical testing. Allele origin: germline.
Comment: This sequence change replaces alanine with aspartic acid at codon 185 of the SCN1B protein (p.Ala185Asp). The alanine residue is weakly conserved and there is a moderate physicochemical difference between alanine and aspartic acid. This variant is not present in population databases (ExAC no frequency). This variant has not been reported in the literature in individuals with SCN1B-related conditions. Algorithms developed to predict the effect of missense changes on protein structure and function are either unavailable or do not agree on the potential impact of this missense change (SIFT: "Deleterious"; PolyPhen-2: "Benign"; Align-GVGD: "Class C0"). In summary, the available evidence is currently insufficient to determine the role of this variant in disease. Therefore, it has been classified as a Variant of Uncertain Significance.